The following is an entry in ClinVar:

ClinVar aggregate classification (germline): Uncertain significance. Review status: criteria provided, multiple submitters, no conflicts (2 of 4 stars). 2 submissions from 2 submitters: Uncertain significance (2). Last evaluated 2026-05-24.

Conditions:
Primary ciliary dyskinesia. Also called: Ciliary dyskinesia. Identifiers: Orphanet 244, MedGen C0008780, MONDO:0016575, HP:0012265.

Allele frequency attached by ClinVar (database versions not stated): gnomAD 0.00002; 1000 Genomes Project 30x 0.00016; 1000 Genomes Project 0.00020.
gnomAD v4.1: 6 of 1,610,808 alleles (0.00037%); highest among the groups gnomAD compares: Admixed American, 0.01%; no homozygotes.

Submissions (2):

Ambry Genetics
Classification: Uncertain significance for Primary ciliary dyskinesia. Last evaluated: 2026-05-24. Review status: criteria provided, single submitter. Criteria: Ambry Variant Classification Scheme 2023. Collection method: clinical testing. Allele origin: germline.
Comment: The p.F2443L variant (also known as c.7329T>A), located in coding exon 45 of the DNAH11 gene, results from a T to A substitution at nucleotide position 7329. The phenylalanine at codon 2443 is replaced by leucine, an amino acid with highly similar properties. This amino acid position is conserved. In addition, this alteration is predicted to be tolerated by in silico analysis. Based on the available evidence, the clinical significance of this variant remains unclear.

Labcorp Genetics (formerly Invitae), Labcorp
Classification: Uncertain significance for Primary ciliary dyskinesia. Last evaluated: 2022-04-18. Review status: criteria provided, single submitter. Criteria: Invitae Variant Classification Sherloc (09022015). Collection method: clinical testing. Allele origin: germline.
Comment: This sequence change replaces phenylalanine, which is neutral and non-polar, with leucine, which is neutral and non-polar, at codon 2443 of the DNAH11 protein (p.Phe2443Leu). This variant is not present in population databases (gnomAD no frequency). This variant has not been reported in the literature in individuals affected with DNAH11-related conditions. Advanced modeling of protein sequence and biophysical properties (such as structural, functional, and spatial information, amino acid conservation, physicochemical variation, residue mobility, and thermodynamic stability) performed at Invitae indicates that this missense variant is not expected to disrupt DNAH11 protein function. In summary, the available evidence is currently insufficient to determine the role of this variant in disease. Therefore, it has been classified as a Variant of Uncertain Significance.

NM_001277115.2(DNAH11):c.7329T>A (p.Phe2443Leu)

Gene: DNAH11 (dynein axonemal heavy chain 11; plus strand). Cytogenetic location: 7p15.3.
Variant type: single nucleotide variant.
Coding change: c.7329T>A on transcript NM_001277115.2 (MANE Select); coding-DNA position 7329, T replaced by A.
Protein change: p.Phe2443Leu; replaces phenylalanine 2443 with leucine.
Molecular consequence: missense variant.
Genome position (GRCh38, 1-based): chr7:21,725,873, T>A. VCF-style: chr7-21725873-T-A. GRCh37 (hg19) VCF-style: chr7-21765491-T-A.
Other names: c.7350T>A, p.Phe2450Leu (NM_003777.3); c.7329T>A (NM_001277115.1); short protein forms F2443L, F2450L.
Identifiers: ClinVar variation 2144810 (VCV002144810.2), dbSNP rs533596107, ClinGen allele CA155095621.